The following is an entry in ClinVar:

NM_001127208.3(TET2):c.2508C>G (p.Asn836Lys)

Genes: TET2 (tet methylcytosine dioxygenase 2; plus strand), TET2-AS1 (TET2 antisense RNA 1; minus strand). Cytogenetic location: 4q24.
Variant type: single nucleotide variant.
Coding change: c.2508C>G on transcript NM_001127208.3 (MANE Select); coding-DNA position 2508, C replaced by G.
Protein change: p.Asn836Lys; replaces asparagine 836 with lysine.
Molecular consequence: missense variant.
Genome position (GRCh38, 1-based): chr4:105,236,450, C>G. VCF-style: chr4-105236450-C-G. GRCh37 (hg19) VCF-style: chr4-106157607-C-G.
Other names: c.2508C>G, p.Asn836Lys (NM_017628.4); short protein forms N836K.
Identifiers: ClinVar variation 3805939 (VCV003805939.1).

ClinVar aggregate classification (germline): Uncertain significance (1 of 4 stars; one submission).

Submission:

Ambry Genetics
Classification: Uncertain significance. Last evaluated: 2025-01-06. Review status: criteria provided, single submitter. Criteria: Ambry Variant Classification Scheme 2023. Collection method: clinical testing. Allele origin: germline.
Comment: The p.N836K variant (also known as c.2508C>G), located in coding exon 1 of the TET2 gene, results from a C to G substitution at nucleotide position 2508. The asparagine at codon 836 is replaced by lysine, an amino acid with similar properties. This amino acid position is conserved. In addition, this alteration is predicted to be tolerated by in silico analysis. Based on the available evidence, the clinical significance of this variant remains unclear.